The following is an entry in ClinVar:

ClinVar aggregate classification (germline): Uncertain significance (1 of 4 stars; one submission).

Conditions:
Combined oxidative phosphorylation defect type 27. Also called: Combined oxidative phosphorylation deficiency 27. Identifiers: Orphanet 477774, MedGen C5567608, MONDO:0014728, OMIM 616672.

Submission:

Labcorp Genetics (formerly Invitae), Labcorp
Classification: Uncertain significance for Combined oxidative phosphorylation defect type 27. Last evaluated: 2022-07-26. Review status: criteria provided, single submitter. Criteria: Invitae Variant Classification Sherloc (09022015). Collection method: clinical testing. Allele origin: germline.
Comment: ClinVar contains an entry for this variant (Variation ID: 1383260). This variant has not been reported in the literature in individuals affected with CARS2-related conditions. This variant is not present in population databases (gnomAD no frequency). This sequence change replaces leucine, which is neutral and non-polar, with arginine, which is basic and polar, at codon 438 of the CARS2 protein (p.Leu438Arg). Algorithms developed to predict the effect of missense changes on protein structure and function (SIFT, PolyPhen-2, Align-GVGD) all suggest that this variant is likely to be tolerated. In summary, the available evidence is currently insufficient to determine the role of this variant in disease. Therefore, it has been classified as a Variant of Uncertain Significance. Algorithms developed to predict the effect of sequence changes on RNA splicing suggest that this variant may create or strengthen a splice site.

NM_024537.4(CARS2):c.1313T>G (p.Leu438Arg)

Gene: CARS2 (cysteinyl-tRNA synthetase 2, mitochondrial; minus strand). Cytogenetic location: 13q34.
Variant type: single nucleotide variant.
Coding change: c.1313T>G on transcript NM_024537.4 (MANE Select); coding-DNA position 1313, T replaced by G.
Protein change: p.Leu438Arg; replaces leucine 438 with arginine.
Molecular consequence: missense variant. On other transcripts: non-coding transcript variant (2).
Genome position (GRCh38, 1-based): chr13:110,645,971, A>C on the plus strand (T>G on the coding strand, the complement: CARS2 is on the minus strand). VCF-style: chr13-110645971-A-C. GRCh37 (hg19) VCF-style: chr13-111298318-A-C.
Other names: c.527T>G, p.Leu176Arg (NM_001352252.2); short protein forms L176R, L438R.
Identifiers: ClinVar variation 1383260 (VCV001383260.8), dbSNP rs2139679199, ClinGen allele CA388743414.
Genomic context (GRCh38, chr13:110,645,971, plus strand): 5'-GACCCGACCCATGCCCCTGGCAGCAGGACCGCAAGGCCACCTGTTCGTTGAGCTACCTTC[A>C]GGGACGCCCTGAGCTGTCCATTCCCGTGGTGTGCAAGGCCCAGGATGGCATCAACCACCC-3'
Protein context (NP_078813.1, residues 428-448): HHGNGQLRAS[Leu438Arg]KEPEGPRSPA